The following is an entry in ClinVar:

ClinVar aggregate classification (germline): Pathogenic (1 of 4 stars; one submission).

Conditions:
Peroxisome biogenesis disorder. Identifiers: Orphanet 79189, MedGen C1832200, MONDO:0019234. Disease mechanism: loss of function.

Submission:

Labcorp Genetics (formerly Invitae), Labcorp
Classification: Pathogenic for Peroxisome biogenesis disorder. Last evaluated: 2024-10-17. Review status: criteria provided, single submitter. Criteria: Invitae Variant Classification Sherloc (09022015). Collection method: clinical testing. Allele origin: germline.
Comment: This sequence change creates a premature translational stop signal (p.Val273Alafs*9) in the PEX6 gene. It is expected to result in an absent or disrupted protein product. Loss-of-function variants in PEX6 are known to be pathogenic (PMID: 10408779, 21031596, 31831025). This variant is not present in population databases (gnomAD no frequency). This premature translational stop signal has been observed in individual(s) with Zellweger syndrome (PMID: 10408779). ClinVar contains an entry for this variant (Variation ID: 1451674). For these reasons, this variant has been classified as Pathogenic.

Literature cited by the submitters: PubMed 10408779; PubMed 21031596; PubMed 31831025.

NM_000287.4(PEX6):c.814_817dup (p.Val273fs)

Gene: PEX6 (peroxisomal biogenesis factor 6; minus strand). Cytogenetic location: 6p21.1.
Variant type: Duplication.
Coding change: c.814_817dup on transcript NM_000287.4 (MANE Select); coding-DNA positions 814 to 817, 4 bases duplicated (CTTG; older notation c.814_817dupCTTG).
Protein change: p.Val273fs; shifts the reading frame from valine 273.
Molecular consequence: frameshift variant. On other transcripts: non-coding transcript variant (1), intron variant (1).
Genome position (GRCh38, 1-based): chr6:42,978,334-42,978,337, CAAG duplicated on the plus strand (CTTG on the coding strand, the reverse complement: PEX6 is on the minus strand); duplicating any 4 consecutive bases within chr6:42,978,334-42,978,338 gives the same sequence; the c. name uses the placement nearest the transcript's 3' end. VCF-style (leftmost placement, unchanged base first): chr6-42978333-A-ACAAG. GRCh37 (hg19) VCF-style: chr6-42946071-A-ACAAG.
Other names: c.618+196_618+199dup (NM_001316313.2); short protein forms V273fs.
Identifiers: ClinVar variation 1451674 (VCV001451674.6), dbSNP rs367543282, ClinGen allele CA138237563.